The following is an entry in ClinVar:

ClinVar aggregate classification (germline): Uncertain significance (1 of 4 stars; one submission).

Conditions:
Inborn genetic diseases. Identifiers: MedGen C0950123, MeSH D030342.

Submission:

Ambry Genetics
Classification: Uncertain significance for Inborn genetic diseases. Last evaluated: 2023-07-12. Review status: criteria provided, single submitter. Criteria: Ambry Variant Classification Scheme 2023. Collection method: clinical testing. Allele origin: germline.
Comment: The p.K2283T variant (also known as c.6848A>C), located in coding exon 47 of the LRRK2 gene, results from an A to C substitution at nucleotide position 6848. The lysine at codon 2283 is replaced by threonine, an amino acid with similar properties. This amino acid position is conserved. In addition, this alteration is predicted to be tolerated by in silico analysis. Since supporting evidence is limited at this time, the clinical significance of this alteration remains unclear.

NM_198578.4(LRRK2):c.6848A>C (p.Lys2283Thr)

Gene: LRRK2 (leucine rich repeat kinase 2; plus strand). Cytogenetic location: 12q12.
Variant type: single nucleotide variant.
Coding change: c.6848A>C on transcript NM_198578.4 (MANE Select); coding-DNA position 6848, A replaced by C.
Protein change: p.Lys2283Thr; replaces lysine 2283 with threonine.
Molecular consequence: missense variant.
Genome position (GRCh38, 1-based): chr12:40,359,264, A>C. VCF-style: chr12-40359264-A-C. GRCh37 (hg19) VCF-style: chr12-40753066-A-C.
Other names: short protein forms K2283T.
Identifiers: ClinVar variation 2587256 (VCV002587256.2), dbSNP rs2500011828, ClinGen allele CA384411248.